The following is an entry in ClinVar:

ClinVar aggregate classification (germline): Uncertain significance. Review status: criteria provided, multiple submitters, no conflicts (2 of 4 stars). 2 submissions from 2 submitters: Uncertain significance (2). Last evaluated 2024-11-20.

Conditions:
Jeune thoracic dystrophy. Also called: Jeune syndrome; Infantile thoracic dystrophy; Thoracic pelvic phalangeal dystrophy; Jeune's syndrome; Chondroectodermal dysplasia-like syndrome; Short-rib thoracic dysplasia. Identifiers: Orphanet 474, MedGen C0265275, MONDO:0018770.
Inborn genetic diseases. Identifiers: MedGen C0950123, MeSH D030342.

Allele frequency attached by ClinVar (database versions not stated): gnomAD exomes 0.00001; gnomAD 0.00003.

Submissions (2):

Ambry Genetics
Classification: Uncertain significance for Inborn genetic diseases. Last evaluated: 2024-11-20. Review status: criteria provided, single submitter. Criteria: Ambry Variant Classification Scheme 2023. Collection method: clinical testing. Allele origin: germline.

Labcorp Genetics (formerly Invitae), Labcorp
Classification: Uncertain significance for Jeune thoracic dystrophy. Last evaluated: 2022-07-06. Review status: criteria provided, single submitter. Criteria: Invitae Variant Classification Sherloc (09022015). Collection method: clinical testing. Allele origin: germline.
Comment: This sequence change replaces glycine, which is neutral and non-polar, with glutamic acid, which is acidic and polar, at codon 1320 of the DYNC2H1 protein (p.Gly1320Glu). This variant is present in population databases (no rsID available, gnomAD 0.003%). This variant has not been reported in the literature in individuals affected with DYNC2H1-related conditions. ClinVar contains an entry for this variant (Variation ID: 1492975). Advanced modeling of protein sequence and biophysical properties (such as structural, functional, and spatial information, amino acid conservation, physicochemical variation, residue mobility, and thermodynamic stability) performed at Invitae indicates that this missense variant is not expected to disrupt DYNC2H1 protein function. In summary, the available evidence is currently insufficient to determine the role of this variant in disease. Therefore, it has been classified as a Variant of Uncertain Significance.

NM_001377.3(DYNC2H1):c.3959G>A (p.Gly1320Glu)

Gene: DYNC2H1 (dynein cytoplasmic 2 heavy chain 1; plus strand). Cytogenetic location: 11q22.3.
Variant type: single nucleotide variant.
Coding change: c.3959G>A on transcript NM_001377.3 (MANE Select); coding-DNA position 3959, G replaced by A.
Protein change: p.Gly1320Glu; replaces glycine 1320 with glutamic acid.
Molecular consequence: missense variant.
Genome position (GRCh38, 1-based): chr11:103,156,602, G>A. VCF-style: chr11-103156602-G-A. GRCh37 (hg19) VCF-style: chr11-103027331-G-A.
Other names: c.3959G>A, p.Gly1320Glu (NM_001080463.2); c.3959G>A (NM_001080463.1); short protein forms G1320E.
Identifiers: ClinVar variation 1492975 (VCV001492975.6), dbSNP rs890283765, ClinGen allele CA227418591.